The following is an entry in ClinVar:

NM_003676.4(DEGS1):c.825+761_825+769del

Gene: DEGS1 (delta 4-desaturase, sphingolipid 1; plus strand). Cytogenetic location: 1q42.11.
Variant type: Microsatellite.
Coding change: c.825+761_825+769del on transcript NM_003676.4 (MANE Select); bases 761 to 769 of the intron after coding-DNA position 825, 9 bases deleted (ACATTTTTA; older notation c.825+761_825+769delACATTTTTA).
Molecular consequence: intron variant.
Genome position (GRCh38, 1-based): chr1:224,191,080-224,191,088, ACATTTTTA deleted; deleting any 9 consecutive bases within chr1:224,191,064-224,191,088 gives the same sequence; the c. name uses the placement nearest the transcript's 3' end. VCF-style (leftmost placement, unchanged base first): chr1-224191063-AATTTTTAAC-A. GRCh37 (hg19) VCF-style: chr1-224378765-AATTTTTAAC-A.
Other names: c.826-12_826-4del (NM_001321541.2); c.717+761_717+769del (NM_001321542.2).
Identifiers: ClinVar variation 3770773 (VCV003770773.14).
Genomic context (GRCh38, chr1:224,191,063, plus strand): 5'-CATGCTATGACAGGCTGATTTTTTAAATAATTTCTTTTAATCCTCCAAATGGTTTGTTAA[AATTTTTAAC>A]ATTTTTAACATTTTTATAGAGCTGGAGTTTCCTGGATGGGTGCAGTGGCTCACACCTGTA-3'

ClinVar aggregate classification (germline): Likely benign. Review status: criteria provided, multiple submitters, no conflicts (2 of 4 stars). 2 submissions from 2 submitters: Likely benign (2). Last evaluated 2026-08-01.

Submissions (2):

CeGaT Center for Human Genetics Tuebingen
Classification: Likely benign. Last evaluated: 2026-08-01. Review status: criteria provided, single submitter. Criteria: CeGaT Center For Human Genetics Tuebingen Variant Classification Criteria Version 2. Collection method: clinical testing. Allele origin: germline. Affected: yes. Observed: 10 variant alleles.
Comment: DEGS1: BS1

Blueprint Genetics
Classification: Likely benign. Last evaluated: 2024-11-25. Review status: criteria provided, single submitter. Criteria: ACMG Guidelines, 2015. Collection method: clinical testing. Allele origin: germline.